The following is an entry in ClinVar:

NM_004586.3(RPS6KA3):c.974C>T (p.Ser325Leu)

Gene: RPS6KA3 (ribosomal protein S6 kinase A3; minus strand). Cytogenetic location: Xp22.12.
Variant type: single nucleotide variant.
Coding change: c.974C>T on transcript NM_004586.3 (MANE Select); coding-DNA position 974, C replaced by T.
Protein change: p.Ser325Leu; replaces serine 325 with leucine.
Molecular consequence: missense variant.
Genome position (GRCh38, 1-based): chrX:20,176,459, G>A on the plus strand (C>T on the coding strand, the complement: RPS6KA3 is on the minus strand). VCF-style: chrX-20176459-G-A. GRCh37 (hg19) VCF-style: chrX-20194577-G-A.
Other names: short protein forms S325L.
Identifiers: ClinVar variation 1308856 (VCV001308856.2), dbSNP rs753024493, ClinGen allele CA10366191.

ClinVar aggregate classification (germline): Uncertain significance (1 of 4 stars; one submission).

Allele frequency attached by ClinVar (database versions not stated): gnomAD exomes below 0.00001 and 0.00001; ExAC 0.00001.
gnomAD v4.1: 1 of 1,194,527 alleles (0.000084%); highest among the groups gnomAD compares: Non-Finnish European, 0.00011%; no homozygotes.

Submission:

GeneDx
Classification: Uncertain significance. Last evaluated: 2019-10-06. Review status: criteria provided, single submitter. Criteria: GeneDx Variant Classification Process June 2021. Collection method: clinical testing. Allele origin: germline. Affected: yes.
Comment: Has not been previously published as pathogenic or benign to our knowledge; In silico analysis, which includes protein predictors and evolutionary conservation, supports that this variant does not alter protein structure/function